The following is an entry in ClinVar:

NM_207361.6(FREM2):c.5677G>A (p.Val1893Ile)

Gene: FREM2 (FRAS1 related extracellular matrix 2; plus strand). Cytogenetic location: 13q13.3.
Variant type: single nucleotide variant.
Coding change: c.5677G>A on transcript NM_207361.6 (MANE Select); coding-DNA position 5677, G replaced by A.
Protein change: p.Val1893Ile; replaces valine 1893 with isoleucine.
Molecular consequence: missense variant.
Genome position (GRCh38, 1-based): chr13:38,783,105, G>A. VCF-style: chr13-38783105-G-A. GRCh37 (hg19) VCF-style: chr13-39357242-G-A.
Other names: short protein forms V1893I.
Identifiers: ClinVar variation 311997 (VCV000311997.6), dbSNP rs548177107, ClinGen allele CA6955317.

ClinVar aggregate classification (germline): Conflicting classifications of pathogenicity. Review status: criteria provided, conflicting classifications (1 of 4 stars). 2 submissions from 2 submitters: Uncertain significance (1); Likely benign (1). Last evaluated 2024-09-20.

Conditions:
Fraser syndrome 2 (FRASRS2). Identifiers: MedGen C4540036, MONDO:0054738, OMIM 617666.
Isolated cryptophthalmia. Also called: Cryptophthalmos, unilateral or bilateral, isolated; ANKYLOBLEPHARON, SIMPLE. Identifiers: Orphanet 91396, MedGen C1852453, MONDO:0007410, OMIM 123570.

Allele frequency attached by ClinVar (database versions not stated): TOPMed 0.00006; 1000 Genomes Project 30x 0.00016; 1000 Genomes Project 0.00020.
gnomAD v4.1: 65 of 1,613,846 alleles (0.004%); highest among the groups gnomAD compares: Middle Eastern, 0.034%; no homozygotes.

Submissions (2):

3billion
Classification: Likely benign for Isolated cryptophthalmia; Fraser syndrome 2. Last evaluated: 2024-09-20. Review status: criteria provided, single submitter. Criteria: ACMG Guidelines, 2015. Collection method: clinical testing. Allele origin: germline. Affected: no.
Comment: The homozygous variant was found in patients diagnosed with another variant in a different gene, with no symptoms related to the gene containing the homozygous variant.

Illumina Laboratory Services, Illumina
Classification: Uncertain significance for Fraser syndrome 2. Last evaluated: 2018-01-12. Review status: criteria provided, single submitter. Criteria: ICSL Variant Classification Criteria 13 December 2019. Collection method: clinical testing. Allele origin: germline.